The following is an entry in ClinVar:

ClinVar aggregate classification (germline): Uncertain significance. Review status: criteria provided, single submitter (1 of 4 stars). 2 submissions from 2 submitters: Uncertain significance (1). 1 of the submissions does not count toward it. Last evaluated 2022-07-12.

Conditions:
Retinal dystrophy. Also called: Inherited retinal dystrophy. Identifiers: Orphanet 71862, MedGen C0854723, MeSH D058499, MONDO:0019118, HP:0000556.

Allele frequency attached by ClinVar (database versions not stated): TOPMed 0.00005; gnomAD 0.00006; gnomAD exomes 0.00006; ExAC 0.00008; ESP Exome Variant Server 0.00015.

Submissions (2):

Labcorp Genetics (formerly Invitae), Labcorp
Classification: Uncertain significance. Last evaluated: 2022-07-12. Review status: criteria provided, single submitter. Criteria: Invitae Variant Classification Sherloc (09022015). Collection method: clinical testing. Allele origin: germline.
Comment: This sequence change replaces glutamic acid, which is acidic and polar, with lysine, which is basic and polar, at codon 615 of the CDHR1 protein (p.Glu615Lys). This variant is present in population databases (rs144856473, gnomAD 0.01%). This variant has not been reported in the literature in individuals affected with CDHR1-related conditions. ClinVar contains an entry for this variant (Variation ID: 1020336). Advanced modeling of protein sequence and biophysical properties (such as structural, functional, and spatial information, amino acid conservation, physicochemical variation, residue mobility, and thermodynamic stability) performed at Invitae indicates that this missense variant is not expected to disrupt CDHR1 protein function. Algorithms developed to predict the effect of sequence changes on RNA splicing suggest that this variant may disrupt the consensus splice site. In summary, the available evidence is currently insufficient to determine the role of this variant in disease. Therefore, it has been classified as a Variant of Uncertain Significance.

Institute of Human Genetics, Univ. Regensburg, Univ. Regensburg
Classification: Uncertain significance for Retinal dystrophy. Last evaluated: 2022-01-01. Review status: no assertion criteria provided. Criteria: ACMG Guidelines, 2015. Collection method: clinical testing. Allele origin: germline. Affected: yes. Not counted in ClinVar's aggregate classification.

NM_033100.4(CDHR1):c.1843G>A (p.Glu615Lys)

Gene: CDHR1 (cadherin related family member 1; plus strand). Cytogenetic location: 10q23.1.
Variant type: single nucleotide variant.
Coding change: c.1843G>A on transcript NM_033100.4 (MANE Select); coding-DNA position 1843, G replaced by A.
Protein change: p.Glu615Lys; replaces glutamic acid 615 with lysine.
Molecular consequence: missense variant.
Genome position (GRCh38, 1-based): chr10:84,213,151, G>A. VCF-style: chr10-84213151-G-A. GRCh37 (hg19) VCF-style: chr10-85972907-G-A.
Other names: c.1843G>A, p.Glu615Lys (NM_001171971.3); short protein forms E615K.
Identifiers: ClinVar variation 1020336 (VCV001020336.8), dbSNP rs144856473, ClinGen allele CA5580068.
Genomic context (GRCh38, chr10:84,213,151, plus strand): 5'-GCCATAGACGAGGATGCAGAGGAACCCAACAACCTGGTGGACTATTCCATCACCCATGCA[G>A]AGCCCGCCAACGTGTTCGACATCAATTCCCACACGGGGGAGATCTGGCTCAAGAATTCCA-3'
Protein context (NP_149091.1, residues 605-625): NLVDYSITHA[Glu615Lys]PANVFDINSH